The following is an entry in ClinVar:

NM_006514.4(SCN10A):c.4333G>A (p.Ala1445Thr)

Gene: SCN10A (sodium voltage-gated channel alpha subunit 10; minus strand). Cytogenetic location: 3p22.2.
Variant type: single nucleotide variant.
Coding change: c.4333G>A on transcript NM_006514.4 (MANE Select); coding-DNA position 4333, G replaced by A.
Protein change: p.Ala1445Thr; replaces alanine 1445 with threonine.
Molecular consequence: missense variant.
Genome position (GRCh38, 1-based): chr3:38,707,332, C>T on the plus strand (G>A on the coding strand, the complement: SCN10A is on the minus strand). VCF-style: chr3-38707332-C-T. GRCh37 (hg19) VCF-style: chr3-38748823-C-T.
Other names: c.4330G>A, p.Ala1444Thr (NM_001293306.2); c.4039G>A, p.Ala1347Thr (NM_001293307.2); short protein forms A1347T, A1444T, A1445T.
Identifiers: ClinVar variation 5029068 (VCV005029068.1).

ClinVar aggregate classification (germline): Uncertain significance (1 of 4 stars; one submission).

Conditions:
Cardiovascular phenotype. Identifiers: MedGen CN230736.

gnomAD v4.1: 2 of 1,614,020 alleles (0.00012%); highest among the groups gnomAD compares: Admixed American, 0.0033%; no homozygotes.

Submission:

Ambry Genetics
Classification: Uncertain significance for Cardiovascular phenotype. Last evaluated: 2026-08-08. Review status: criteria provided, single submitter. Criteria: Ambry Variant Classification Scheme 2023. Collection method: clinical testing. Allele origin: germline.
Comment: The p.A1445T variant (also known as c.4333G>A), located in coding exon 25 of the SCN10A gene, results from a G to A substitution at nucleotide position 4333. The alanine at codon 1445 is replaced by threonine, an amino acid with similar properties. This amino acid position is conserved. In addition, this alteration is predicted to be deleterious by in silico analysis. Based on the available evidence, the clinical significance of this variant remains unclear.